The following is an entry in ClinVar:

NM_001164277.2(SLC37A4):c.871+1G>T

Gene: SLC37A4 (solute carrier family 37 member 4; minus strand). Cytogenetic location: 11q23.3.
Variant type: single nucleotide variant.
Coding change: c.871+1G>T on transcript NM_001164277.2 (MANE Select); the canonical splice donor site of the intron after coding-DNA position 871, G replaced by T.
Molecular consequence: splice donor variant.
Genome position (GRCh38, 1-based): chr11:119,026,602, C>A on the plus strand (G>T on the coding strand, the complement: SLC37A4 is on the minus strand). VCF-style: chr11-119026602-C-A. GRCh37 (hg19) VCF-style: chr11-118897312-C-A.
Other names: IVS7, G-T, +1; c.652+1G>T (NM_001164279.2); c.871+1G>T (NM_001467.6, NM_001164278.2, NM_001164280.2).
Identifiers: ClinVar variation 6931 (VCV000006931.3), dbSNP rs1943574435, ClinGen allele CA382899877.

ClinVar aggregate classification (germline): Pathogenic. Review status: criteria provided, single submitter (1 of 4 stars). 2 submissions from 2 submitters: Pathogenic (1). 1 of the submissions does not count toward it. Last evaluated 2024-05-16.

Conditions:
Glucose-6-phosphate transport defect (GSD1B). Also called: Glycogen Storage Disease Type Ib; GSD Ib. Identifiers: Orphanet 364, Orphanet 79259, MedGen C0268146, MONDO:0009288, OMIM 232220.

Submissions (2):

Labcorp Genetics (formerly Invitae), Labcorp
Classification: Pathogenic for Glucose-6-phosphate transport defect. Last evaluated: 2024-05-16. Review status: criteria provided, single submitter. Criteria: Invitae Variant Classification Sherloc (09022015). Collection method: clinical testing. Allele origin: germline.
Comment: This sequence change affects a donor splice site in intron 7 of the SLC37A4 gene. It is expected to disrupt RNA splicing. Variants that disrupt the donor or acceptor splice site typically lead to a loss of protein function (PMID: 16199547), and loss-of-function variants in SLC37A4 are known to be pathogenic (PMID: 9758626, 10940311). This variant is not present in population databases (gnomAD no frequency). Disruption of this splice site has been observed in individuals with clinical features of autosomal recessive glycogen storage disease (PMID: 10482875; Invitae). This variant is also known as IVS7+1G→T. ClinVar contains an entry for this variant (Variation ID: 6931). Algorithms developed to predict the effect of sequence changes on RNA splicing suggest that this variant may disrupt the consensus splice site. For these reasons, this variant has been classified as Pathogenic.

OMIM
Classification: Pathogenic for GLYCOGEN STORAGE DISEASE Ib. Last evaluated: 1999-09-17. Review status: no assertion criteria provided. Collection method: literature only. Allele origin: germline. Not counted in ClinVar's aggregate classification.

Literature cited by the submitters: PubMed 16199547 (cited by Labcorp Genetics (formerly Invitae), Labcorp); PubMed 9758626 (cited by Labcorp Genetics (formerly Invitae), Labcorp); PubMed 10940311 (cited by Labcorp Genetics (formerly Invitae), Labcorp); PubMed 10482875 (cited by Labcorp Genetics (formerly Invitae), Labcorp and OMIM).